The following is an entry in ClinVar:

ClinVar aggregate classification (germline): Benign. Review status: criteria provided, single submitter (1 of 4 stars). 2 submissions from 2 submitters: Benign (1). 1 of the submissions does not count toward it. Last evaluated 2025-10-01.

Conditions:
Alpha thalassemia-X-linked intellectual disability syndrome (ATRX). Also called: X-linked alpha-thalassemia-mental retardation syndrome; ALPHA-THALASSEMIA/IMPAIRED INTELLECTUAL DEVELOPMENT SYNDROME, X-LINKED; ALPHA-THALASSEMIA/MENTAL RETARDATION SYNDROME, X-LINKED; ATR, NONDELETION TYPE; ATR-X syndrome; Alpha thalassemia mental retardation syndrome, nondeletion type, X-linked. Identifiers: Orphanet 847, MedGen C1845055, MONDO:0010519, OMIM 301040.
ATRX-related disorder. Also called: ATRX-related condition.

Allele frequency attached by ClinVar (database versions not stated): gnomAD exomes below 0.00001.
gnomAD v4.1: 3 of 1,209,666 alleles (0.00025%); highest among the groups gnomAD compares: Non-Finnish European, 0.00022%; no homozygotes.

Submissions (2):

Labcorp Genetics (formerly Invitae), Labcorp
Classification: Benign for Alpha thalassemia-X-linked intellectual disability syndrome. Last evaluated: 2025-10-01. Review status: criteria provided, single submitter. Criteria: Invitae Variant Classification Sherloc (09022015). Collection method: clinical testing. Allele origin: germline.

PreventionGenetics, part of Exact Sciences
Classification: Uncertain significance for ATRX-related condition. Last evaluated: 2024-03-05. Review status: no assertion criteria provided. Collection method: clinical testing. Allele origin: germline. Not counted in ClinVar's aggregate classification.
Comment: The ATRX c.1384G>C variant is predicted to result in the amino acid substitution p.Ala462Pro. To our knowledge, this variant has not been reported in the literature. This exact change and other missense alterations at the same amino acid position are reported in individuals with unknown phenotype in the 4.0.0 version of the gnomAD population database. One lab classifies this variant as benign in ClinVar. Although we suspect that this variant may be benign, at this time, the clinical significance of this variant is uncertain due to the absence of conclusive functional and genetic evidence.

NM_000489.6(ATRX):c.1384G>C (p.Ala462Pro)

Gene: ATRX (ATRX chromatin remodeler; minus strand). Cytogenetic location: Xq21.1.
Variant type: single nucleotide variant.
Coding change: c.1384G>C on transcript NM_000489.6 (MANE Select); coding-DNA position 1384, G replaced by C.
Protein change: p.Ala462Pro; replaces alanine 462 with proline.
Molecular consequence: missense variant.
Genome position (GRCh38, 1-based): chrX:77,683,872, C>G on the plus strand (G>C on the coding strand, the complement: ATRX is on the minus strand). VCF-style: chrX-77683872-C-G. GRCh37 (hg19) VCF-style: chrX-76939364-C-G.
Other names: c.1270G>C, p.Ala424Pro (NM_138270.5); c.1384G>C (NM_000489.4); short protein forms A424P, A462P.
Identifiers: ClinVar variation 1169376 (VCV001169376.10), dbSNP rs201503118, ClinGen allele CA16621965.